The following is an entry in ClinVar:

NM_005732.4(RAD50):c.2071G>A (p.Glu691Lys)

Gene: RAD50 (RAD50 double strand break repair protein; plus strand). Cytogenetic location: 5q31.1.
Variant type: single nucleotide variant.
Coding change: c.2071G>A on transcript NM_005732.4 (MANE Select); coding-DNA position 2071, G replaced by A.
Protein change: p.Glu691Lys; replaces glutamic acid 691 with lysine.
Molecular consequence: missense variant.
Genome position (GRCh38, 1-based): chr5:132,595,674, G>A. VCF-style: chr5-132595674-G-A. GRCh37 (hg19) VCF-style: chr5-131931366-G-A.
Other names: short protein forms E691K.
Identifiers: ClinVar variation 1785402 (VCV001785402.2), dbSNP rs1750778484, ClinGen allele CA360949804.
Genomic context (GRCh38, chr5:132,595,674, plus strand): 5'-ACTCAGCTAACAGACGAAAACCAGTCATGTTGCCCCGTTTGTCAGAGAGTTTTTCAGACA[G>A]AGGCTGAGTTACAAGAAGTCATCAGTGATTTGCAGTCTAAACTGCGACTTGCTCCAGATA-3'
Protein context (NP_005723.2, residues 681-701): CPVCQRVFQT[Glu691Lys]AELQEVISDL

ClinVar aggregate classification (germline): Uncertain significance (1 of 4 stars; one submission).

Conditions:
Hereditary cancer-predisposing syndrome. Also called: Neoplastic Syndromes, Hereditary; Tumor predisposition; Hereditary Cancer Syndrome; Hereditary neoplastic syndrome. Identifiers: Orphanet 140162, MedGen C0027672, MeSH D009386, MONDO:0015356.

Allele frequency attached by ClinVar (database versions not stated): gnomAD 0.00001.
gnomAD v4.1: 1 of 1,613,880 alleles (0.000062%); highest among the groups gnomAD compares: Admixed American, 0.0017%; no homozygotes.

Submission:

Ambry Genetics
Classification: Uncertain significance for Hereditary cancer-predisposing syndrome. Last evaluated: 2022-10-27. Review status: criteria provided, single submitter. Criteria: Ambry Variant Classification Scheme 2023. Collection method: clinical testing. Allele origin: germline.
Comment: The p.E691K variant (also known as c.2071G>A), located in coding exon 13 of the RAD50 gene, results from a G to A substitution at nucleotide position 2071. The glutamic acid at codon 691 is replaced by lysine, an amino acid with similar properties. This amino acid position is conserved. In addition, the in silico prediction for this alteration is inconclusive. Since supporting evidence is limited at this time, the clinical significance of this alteration remains unclear.